The following is an entry in ClinVar:

ClinVar aggregate classification (germline): Uncertain significance (1 of 4 stars; one submission).

gnomAD v4.1: 3 of 1,613,220 alleles (0.00019%); highest among the groups gnomAD compares: Non-Finnish European, 0.00025%; no homozygotes.

Submission:

Labcorp Genetics (formerly Invitae), Labcorp
Classification: Uncertain significance. Last evaluated: 2025-01-27. Review status: criteria provided, single submitter. Criteria: Invitae Variant Classification Sherloc (09022015). Collection method: clinical testing. Allele origin: germline.
Comment: This sequence change replaces cysteine, which is neutral and slightly polar, with serine, which is neutral and polar, at codon 567 of the RBBP8 protein (p.Cys567Ser). This variant is not present in population databases (gnomAD no frequency). This variant has not been reported in the literature in individuals affected with RBBP8-related conditions. Invitae Evidence Modeling of protein sequence and biophysical properties (such as structural, functional, and spatial information, amino acid conservation, physicochemical variation, residue mobility, and thermodynamic stability) indicates that this missense variant is not expected to disrupt RBBP8 protein function with a negative predictive value of 80%. In summary, the available evidence is currently insufficient to determine the role of this variant in disease. Therefore, it has been classified as a Variant of Uncertain Significance.

NM_002894.3(RBBP8):c.1699T>A (p.Cys567Ser)

Gene: RBBP8 (RB binding protein 8, endonuclease; plus strand). Cytogenetic location: 18q11.2.
Variant type: single nucleotide variant.
Coding change: c.1699T>A on transcript NM_002894.3 (MANE Select); coding-DNA position 1699, T replaced by A.
Protein change: p.Cys567Ser; replaces cysteine 567 with serine.
Molecular consequence: missense variant.
Genome position (GRCh38, 1-based): chr18:22,993,526, T>A. VCF-style: chr18-22993526-T-A. GRCh37 (hg19) VCF-style: chr18-20573489-T-A.
Other names: c.1699T>A, p.Cys567Ser (NM_203291.2, NM_203292.2); short protein forms C567S.
Identifiers: ClinVar variation 3610922 (VCV003610922.2).